The following is an entry in ClinVar:

ClinVar aggregate classification (germline): Uncertain significance (1 of 4 stars; one submission).

Conditions:
Familial thoracic aortic aneurysm and aortic dissection (TAAD). Also called: Thoracic aortic aneurysms and dissections. Identifiers: Orphanet 91387, MedGen C4707243, MONDO:0019625.

Submission:

Color Diagnostics, LLC DBA Color Health
Classification: Uncertain significance for Familial thoracic aortic aneurysm and aortic dissection. Last evaluated: 2023-12-05. Review status: criteria provided, single submitter. Criteria: ACMG Guidelines, 2015. Collection method: clinical testing. Allele origin: germline.
Comment: This missense variant replaces asparagine with threonine at codon 897 of the MYH11 protein. Computational prediction tools and conservation analyses are inconclusive regarding the impact of this variant on the protein function. Computational splicing tools suggest that this variant may not impact RNA splicing. To our knowledge, functional assays have not been performed for this variant nor has this variant been reported in individuals affected with cardiovascular disorders in the literature. This variant has not been identified in the general population by the Genome Aggregation Database (gnomAD). Available evidence is insufficient to determine the role of this variant in disease conclusively. Therefore, this variant is classified as a Variant of Uncertain Significance.

NM_002474.3(MYH11):c.2669A>C (p.Asn890Thr)

Gene: MYH11 (myosin heavy chain 11; minus strand). Cytogenetic location: 16p13.11.
Variant type: single nucleotide variant.
Coding change: c.2669A>C on transcript NM_002474.3 (MANE Select); coding-DNA position 2669, A replaced by C.
Protein change: p.Asn890Thr; replaces asparagine 890 with threonine.
Molecular consequence: missense variant.
Genome position (GRCh38, 1-based): chr16:15,741,653, T>G on the plus strand (A>C on the coding strand, the complement: MYH11 is on the minus strand). VCF-style: chr16-15741653-T-G. GRCh37 (hg19) VCF-style: chr16-15835510-T-G.
Other names: c.2690A>C, p.Asn897Thr (NM_001040113.2, NM_001040114.2); c.2669A>C, p.Asn890Thr (NM_022844.3); short protein forms N897T, N890T.
Identifiers: ClinVar variation 920616 (VCV000920616.5), dbSNP rs2041275775, ClinGen allele CA394865833.
Genomic context (GRCh38, chr16:15,741,653, plus strand): 5'-CGCATCTCCTCAGCCTCTGCATACAGCTCTGTCTCTGCCTGCAGCTGTTCCTGTAGCAGG[T>G]TCTTCTCCTCGGTCAGCTGCACGCAGGTGGTGGGGAGGAGGCGGGTGAGCCCCACGGGGC-3'
Protein context (NP_002465.1, residues 880-900): QKHSQLTEEK[Asn890Thr]LLQEQLQAET